The following is an entry in ClinVar:

NM_052947.4(ALPK2):c.5767C>A (p.Leu1923Met)

Gene: ALPK2 (alpha kinase 2; minus strand). Cytogenetic location: 18q21.31.
Variant type: single nucleotide variant.
Coding change: c.5767C>A on transcript NM_052947.4 (MANE Select); coding-DNA position 5767, C replaced by A.
Protein change: p.Leu1923Met; replaces leucine 1923 with methionine.
Molecular consequence: missense variant.
Genome position (GRCh38, 1-based): chr18:58,517,081, G>T on the plus strand (C>A on the coding strand, the complement: ALPK2 is on the minus strand). VCF-style: chr18-58517081-G-T. GRCh37 (hg19) VCF-style: chr18-56184313-G-T.
Other names: short protein forms L1923M.
Identifiers: ClinVar variation 3530688 (VCV003530688.1).

ClinVar aggregate classification (germline): Uncertain significance (1 of 4 stars; one submission).

Submission:

Ambry Genetics
Classification: Uncertain significance. Last evaluated: 2024-07-09. Review status: criteria provided, single submitter. Criteria: Ambry Variant Classification Scheme 2023. Collection method: clinical testing. Allele origin: germline.
Comment: The p.L1923M variant (also known as c.5767C>A), located in coding exon 8 of the ALPK2 gene, results from a C to A substitution at nucleotide position 5767. The leucine at codon 1923 is replaced by methionine, an amino acid with highly similar properties. This amino acid position is conserved. In addition, this alteration is predicted to be tolerated by in silico analysis. Based on the available evidence, the clinical significance of this variant remains unclear.